The following is an entry in ClinVar:

NM_005591.4(MRE11):c.2017A>C (p.Lys673Gln)

Gene: MRE11 (MRE11 homolog, double strand break repair nuclease; minus strand). Cytogenetic location: 11q21.
Variant type: single nucleotide variant.
Coding change: c.2017A>C on transcript NM_005591.4 (MANE Select); coding-DNA position 2017, A replaced by C.
Protein change: p.Lys673Gln; replaces lysine 673 with glutamine.
Molecular consequence: missense variant.
Genome position (GRCh38, 1-based): chr11:94,429,964, T>G on the plus strand (A>C on the coding strand, the complement: MRE11 is on the minus strand). VCF-style: chr11-94429964-T-G. GRCh37 (hg19) VCF-style: chr11-94163130-T-G.
Other names: c.2014A>C, p.Lys672Gln (NM_001330347.2); c.1933A>C, p.Lys645Gln (NM_005590.4); short protein forms K645Q, K673Q, K672Q.
Identifiers: ClinVar variation 3571720 (VCV003571720.1).

ClinVar aggregate classification (germline): Uncertain significance (1 of 4 stars; one submission).

Submission:

Athena Diagnostics
Classification: Uncertain significance. Last evaluated: 2024-09-16. Review status: criteria provided, single submitter. Criteria: Athena Diagnostics Criteria. Collection method: clinical testing. Allele origin: unknown.
Comment: Available data are insufficient to determine the clinical significance of the variant at this time. This variant has not been reported in large, multi-ethnic general populations. Polyphen and MutationTaster predict this amino acid change may be benign.